The following is an entry in ClinVar:

ClinVar aggregate classification (germline): Conflicting classifications of pathogenicity. Review status: criteria provided, conflicting classifications (1 of 4 stars). 4 submissions from 4 submitters: Uncertain significance (2); Likely benign (1). 1 of the submissions does not count toward it. Last evaluated 2025-11-08.

Conditions:
Inborn genetic diseases. Identifiers: MedGen C0950123, MeSH D030342.
Nemaline myopathy 2 (NEM2). Also called: Nemaline myopathy 2, autosomal recessive. Identifiers: MedGen C1850569, MONDO:0009725, OMIM 256030.

Allele frequency attached by ClinVar (database versions not stated): gnomAD exomes 0.00002 and 0.00006; gnomAD 0.00003 and 0.00004; TOPMed 0.00006; ExAC 0.00012.
gnomAD v4.1: 40 of 1,600,148 alleles (0.0025%); highest among the groups gnomAD compares: Admixed American, 0.034%; no homozygotes.

Submissions (4):

Labcorp Genetics (formerly Invitae), Labcorp
Classification: Likely benign for Nemaline myopathy 2. Last evaluated: 2025-11-08. Review status: criteria provided, single submitter. Criteria: Invitae Variant Classification Sherloc (09022015). Collection method: clinical testing. Allele origin: germline.

Mayo Clinic Laboratories, Mayo Clinic
Classification: Uncertain significance. Last evaluated: 2023-06-22. Review status: criteria provided, single submitter. Criteria: ACMG Guidelines, 2015. Collection method: clinical testing. Allele origin: germline. Observed: 1 variant allele.
Comment: PM2

Ambry Genetics
Classification: Uncertain significance for Inborn genetic diseases. Last evaluated: 2017-04-11. Review status: criteria provided, single submitter. Criteria: Ambry exome assertion method (8-5-2015). Collection method: clinical testing. Allele origin: germline. Affected: yes. Observed: 1 variant allele.

Natera, Inc.
Classification: Uncertain significance for Nemaline myopathy type 2. Last evaluated: 2019-11-11. Review status: no assertion criteria provided. Collection method: clinical testing. Allele origin: germline. Not counted in ClinVar's aggregate classification.

NM_001164508.2(NEB):c.19989A>T (p.Arg6663Ser)

Gene: NEB (nebulin; minus strand). Cytogenetic location: 2q23.3.
Variant type: single nucleotide variant.
Coding change: c.19989A>T on transcript NM_001164508.2 (MANE Select); coding-DNA position 19989, A replaced by T.
Protein change: p.Arg6663Ser; replaces arginine 6663 with serine.
Molecular consequence: missense variant.
Genome position (GRCh38, 1-based): chr2:151,549,696, T>A on the plus strand (A>T on the coding strand, the complement: NEB is on the minus strand). VCF-style: chr2-151549696-T-A. GRCh37 (hg19) VCF-style: chr2-152406210-T-A.
Other names: p.Arg6663Ser; c.19989A>T, p.Arg6663Ser (NM_001164507.2, NM_001271208.2); c.14886A>T, p.Arg4962Ser (NM_004543.5); short protein forms R4962S, R6663S.
Identifiers: ClinVar variation 521697 (VCV000521697.14), dbSNP rs755153044, ClinGen allele CA1907466.